The following is an entry in ClinVar:

NM_000059.4(BRCA2):c.5420del (p.Asp1807fs)

Gene: BRCA2 (BRCA2 DNA repair associated; plus strand). Cytogenetic location: 13q13.1.
Variant type: Deletion.
Coding change: c.5420del on transcript NM_000059.4 (MANE Select); coding-DNA position 5420, one base deleted (A; older notation c.5420delA).
Protein change: p.Asp1807fs; shifts the reading frame from aspartic acid 1807.
Molecular consequence: frameshift variant. On other transcripts: non-coding transcript variant (1), intron variant (2).
Genome position (GRCh38, 1-based): chr13:32,339,775, A deleted. VCF-style (leftmost placement, unchanged base first): chr13-32339774-GA-G. GRCh37 (hg19) VCF-style: chr13-32913911-GA-G.
Other names: c.5420del, p.Asp1807fs (NM_001406719.1, NM_001406720.1, NM_001432077.1); c.1910-4783del (NM_001406721.1); c.425-4783del (NM_001406722.1); short protein forms D1807fs.
Identifiers: ClinVar variation 4714839 (VCV004714839.1).

ClinVar aggregate classification (germline): Pathogenic (1 of 4 stars; one submission).

Conditions:
Hereditary breast ovarian cancer syndrome. Also called: BRCA1- and BRCA2-Associated Hereditary Breast and Ovarian Cancer; Breast and ovarian cancer; Hereditary breast and ovarian cancer syndrome; Hereditary breast and ovarian cancer syndrome (HBOC); Hereditary breast and/or ovarian cancer syndrome; Hereditary breast and ovarian cancer. Identifiers: Orphanet 145, MedGen C0677776, MeSH D061325, MONDO:0003582. Disease mechanism: loss of function.

Submission:

Labcorp Genetics (formerly Invitae), Labcorp
Classification: Pathogenic for Hereditary breast ovarian cancer syndrome. Last evaluated: 2025-03-11. Review status: criteria provided, single submitter. Criteria: Invitae Variant Classification Sherloc (09022015). Collection method: clinical testing. Allele origin: germline.
Comment: This sequence change creates a premature translational stop signal (p.Asp1807Valfs*8) in the BRCA2 gene. It is expected to result in an absent or disrupted protein product. Loss-of-function variants in BRCA2 are known to be pathogenic (PMID: 20104584). This variant is not present in population databases (gnomAD no frequency). This variant has not been reported in the literature in individuals affected with BRCA2-related conditions. For these reasons, this variant has been classified as Pathogenic.

Literature cited by the submitters: PubMed 20104584.